The following is an entry in ClinVar:

ClinVar aggregate classification (germline): Conflicting classifications of pathogenicity. Review status: criteria provided, conflicting classifications (1 of 4 stars). 9 submissions from 9 submitters: Uncertain significance (1); Benign (1); Likely benign (6). 1 of the submissions does not count toward it. Last evaluated 2026-01-02.

Conditions:
MYH7-related disorder. Also called: MYH7-related disorders; MYH7-related condition; MYH7-related disease.
Cardiovascular phenotype. Identifiers: MedGen CN230736.
Cardiomyopathy (CMYO). Also called: Cardiomyopathies. Identifiers: Orphanet 167848, MedGen C0878544, MONDO:0004994, HP:0001638. Inheritance: Various modes of inheritance.
Hypertrophic cardiomyopathy. Also called: HYPERTROPHIC MYOCARDIOPATHY. Identifiers: Orphanet 217569, MedGen C0007194, MeSH D002312, MONDO:0005045, HP:0001639.

Allele frequency attached by ClinVar (database versions not stated): ExAC 0.00007; TOPMed 0.00011; gnomAD exomes 0.00012 and 0.00018; gnomAD 0.00014 and 0.00015; ESP Exome Variant Server 0.00015; 1000 Genomes Project 30x 0.00016; 1000 Genomes Project 0.00020.
gnomAD v4.1: 279 of 1,612,216 alleles (0.017%); highest among the groups gnomAD compares: Non-Finnish European, 0.022%; no homozygotes.

Submissions (9):

Labcorp Genetics (formerly Invitae), Labcorp
Classification: Likely benign for Hypertrophic cardiomyopathy. Last evaluated: 2026-01-02. Review status: criteria provided, single submitter. Criteria: Invitae Variant Classification Sherloc (09022015). Collection method: clinical testing. Allele origin: germline.

Blueprint Genetics
Classification: Likely benign. Last evaluated: 2024-10-30. Review status: criteria provided, single submitter. Criteria: ACMG Guidelines, 2015. Collection method: clinical testing. Allele origin: germline.

Color Diagnostics, LLC DBA Color Health
Classification: Likely benign for Cardiomyopathy. Last evaluated: 2018-08-25. Review status: criteria provided, single submitter. Criteria: ACMG Guidelines, 2015. Collection method: clinical testing. Allele origin: germline.

Ambry Genetics
Classification: Likely benign for Cardiovascular phenotype. Last evaluated: 2017-11-29. Review status: criteria provided, single submitter. Criteria: Ambry Variant Classification Scheme 2023. Collection method: clinical testing. Allele origin: germline.

Stanford Center for Inherited Cardiovascular Disease, Stanford University
Classification: Uncertain significance. Last evaluated: 2017-06-12. Review status: criteria provided, single submitter. Criteria: ACMG Guidelines, 2015. Collection method: provider interpretation. Allele origin: germline.

GeneDx
Classification: Benign. Last evaluated: 2015-10-27. Review status: criteria provided, single submitter. Criteria: GeneDx Variant Classification (06012015). Collection method: clinical testing. Allele origin: germline. Affected: yes.
Comment: This variant is considered likely benign or benign based on one or more of the following criteria: it is a conservative change, it occurs at a poorly conserved position in the protein, it is predicted to be benign by multiple in silico algorithms, and/or has population frequency not consistent with disease.

Laboratory for Molecular Medicine, Mass General Brigham Personalized Medicine
Classification: Likely benign. Last evaluated: 2012-08-02. Review status: criteria provided, single submitter. Criteria: LMM Criteria. Collection method: clinical testing. Allele origin: germline. Observed: 4 variant alleles.
Comment: p.Thr1854Thr in exon 38 of MYH7: This variant is not expected to have clinical s ignificance because it does not alter an amino acid residue and is not located w ithin the splice consensus sequence. It has been identified in 2/8600 European A merican chromosomes from a broad population by the NHLBI Exome Sequencing Projec t.

Breakthrough Genomics
Classification: Likely benign. Review status: criteria provided, single submitter. Criteria: ACMG Guidelines, 2015. Collection method: not provided. Allele origin: germline. Inheritance: Autosomal recessive inheritance. Affected: yes.

PreventionGenetics, part of Exact Sciences
Classification: Likely benign for MYH7-related condition. Last evaluated: 2020-10-08. Review status: no assertion criteria provided. Collection method: clinical testing. Allele origin: germline. Not counted in ClinVar's aggregate classification.
Comment: This variant is classified as likely benign based on ACMG/AMP sequence variant interpretation guidelines (Richards et al. 2015 PMID: 25741868, with internal and published modifications).

Literature cited by the submitters: PubMed 28416588 (cited by Ambry Genetics).

NM_000257.4(MYH7):c.5562G>A (p.Thr1854=)

Gene: MYH7 (myosin heavy chain 7; minus strand). Cytogenetic location: 14q11.2.
Variant type: single nucleotide variant.
Coding change: c.5562G>A on transcript NM_000257.4 (MANE Select); coding-DNA position 5562, G replaced by A.
Protein change: p.Thr1854=; no amino-acid change (threonine 1854 retained).
Molecular consequence: synonymous variant.
Genome position (GRCh38, 1-based): chr14:23,414,100, C>T on the plus strand (G>A on the coding strand, the complement: MYH7 is on the minus strand). VCF-style: chr14-23414100-C-T. GRCh37 (hg19) VCF-style: chr14-23883309-C-T.
Identifiers: ClinVar variation 43075 (VCV000043075.27), dbSNP rs368706722, ClinGen allele CA016280.
Genomic context (GRCh38, chr14:23,414,100, plus strand): 5'-CTTTAGCTGCAGCTTGTCTACCAGGTCCTGCAGCCGCAGCAGGTTTTTCCTGTCCTCCTC[C>T]GTCTGGGGGCCAGAGGGTAGGCAGGGGGTGAAGATGGCACAGTCATAGAAGGTAGCATCC-3'
Protein context (NP_000248.2, residues 1844-1864): ERRIKELTYQ[Thr1854=]EEDRKNLLRL